The following is an entry in ClinVar:

ClinVar aggregate classification (germline): Pathogenic (1 of 4 stars; one submission).

Conditions:
Early-infantile DEE. Also called: Ohtahara syndrome; Early infantile epileptic encephalopathy; Early infantile epileptic encephalopathy with suppression bursts. Identifiers: Orphanet 1934, MedGen C0393706, MONDO:0800491.

Submission:

Labcorp Genetics (formerly Invitae), Labcorp
Classification: Pathogenic for Early-infantile DEE. Last evaluated: 2025-10-16. Review status: criteria provided, single submitter. Criteria: Invitae Variant Classification Sherloc (09022015). Collection method: clinical testing. Allele origin: germline.
Comment: This sequence change creates a premature translational stop signal (p.Asp282Glufs*42) in the KCNQ2 gene. It is expected to result in an absent or disrupted protein product. Loss-of-function variants in KCNQ2 are known to be pathogenic (PMID: 14534157, 23692823, 27779742). This variant is not present in population databases (gnomAD no frequency). This variant has not been reported in the literature in individuals affected with KCNQ2-related conditions. ClinVar contains an entry for this variant (Variation ID: 3664870). For these reasons, this variant has been classified as Pathogenic.

Literature cited by the submitters: PubMed 14534157; PubMed 23692823; PubMed 27779742.

NM_172107.4(KCNQ2):c.832_845dup (p.Asp282fs)

Gene: KCNQ2 (potassium voltage-gated channel subfamily Q member 2; minus strand). Cytogenetic location: 20q13.33.
Variant type: Duplication.
Coding change: c.832_845dup on transcript NM_172107.4 (MANE Select); coding-DNA positions 832 to 845, 14 bases duplicated (ATTGGCTACGGGGA).
Protein change: p.Asp282fs; shifts the reading frame from aspartic acid 282.
Molecular consequence: frameshift variant.
Genome position (GRCh38, 1-based): chr20:63,439,680-63,439,693, TCCCCGTAGCCAAT duplicated on the plus strand (ATTGGCTACGGGGA on the coding strand, the reverse complement: KCNQ2 is on the minus strand). VCF-style (leftmost placement, unchanged base first): chr20-63439679-G-GTCCCCGTAGCCAAT. GRCh37 (hg19) VCF-style: chr20-62071032-G-GTCCCCGTAGCCAAT.
Other names: c.832_845dup, p.Asp282fs (NM_001382235.1, NM_004518.6, NM_172106.3 and 2 more transcripts); short protein forms D282fs.
Identifiers: ClinVar variation 3664870 (VCV003664870.2).